The following is an entry in ClinVar:

NM_015629.4(PRPF31):c.1320C>T (p.Thr440=)

Gene: PRPF31 (pre-mRNA processing factor 31; plus strand). Cytogenetic location: 19q13.42.
Variant type: single nucleotide variant.
Coding change: c.1320C>T on transcript NM_015629.4 (MANE Select); coding-DNA position 1320, C replaced by T.
Protein change: p.Thr440=; no amino-acid change (threonine 440 retained).
Molecular consequence: synonymous variant.
Genome position (GRCh38, 1-based): chr19:54,129,316, C>T. VCF-style: chr19-54129316-C-T. GRCh37 (hg19) VCF-style: chr19-54632691-C-T.
Identifiers: ClinVar variation 894693 (VCV000894693.13), dbSNP rs117456605, ClinGen allele CA309330936.
Genomic context (GRCh38, chr19:54,129,316, plus strand): 5'-CCTGTCCTCCCCACAGCGGACCCTGCAGAAGCAGAGCGTCGTATATGGCGGGAAGTCCAC[C>T]ATCCGCGACCGCTCCTCGGGCACGGCCTCCAGCGTGGCCTTCACCCCACTCCAGGTACCT-3'
Protein context (NP_056444.3, residues 430-450): KQSVVYGGKS[Thr440=]IRDRSSGTAS

ClinVar aggregate classification (germline): Benign/Likely benign. Review status: criteria provided, multiple submitters, no conflicts (2 of 4 stars). 4 submissions from 4 submitters: Benign (2); Likely benign (2). Last evaluated 2026-01-27.

Conditions:
Retinitis pigmentosa (RP). Identifiers: Orphanet 791, MedGen C0035334, MeSH D012174, MONDO:0019200, OMIM 268000. Inheritance: Autosomal dominant, autosomal recessive and X linked inheritance.
Retinal dystrophy. Also called: Inherited retinal dystrophy. Identifiers: Orphanet 71862, MedGen C0854723, MeSH D058499, MONDO:0019118, HP:0000556.

Allele frequency attached by ClinVar (database versions not stated): gnomAD 0.00009 and 0.00012; gnomAD exomes 0.00011 and 0.00027; TOPMed 0.00016; ExAC 0.00034; 1000 Genomes Project 30x 0.00047; 1000 Genomes Project 0.00060.
gnomAD v4.1: 167 of 1,607,370 alleles (0.01%); highest among the groups gnomAD compares: East Asian, 0.36%; 1 homozygote.

Submissions (4):

Labcorp Genetics (formerly Invitae), Labcorp
Classification: Benign. Last evaluated: 2026-01-27. Review status: criteria provided, single submitter. Criteria: Invitae Variant Classification Sherloc (09022015). Collection method: clinical testing. Allele origin: germline.

Dept Of Ophthalmology, Nagoya University
Classification: Benign for Retinal dystrophy. Last evaluated: 2023-10-01. Review status: criteria provided, single submitter. Criteria: Submitter's publication. Collection method: research. Allele origin: germline. Affected: yes.

Blueprint Genetics
Classification: Likely benign. Last evaluated: 2023-04-19. Review status: criteria provided, single submitter. Criteria: ACMG Guidelines, 2015. Collection method: clinical testing. Allele origin: germline.

Illumina Laboratory Services, Illumina
Classification: Likely benign for Retinitis pigmentosa. Last evaluated: 2018-01-13. Review status: criteria provided, single submitter. Criteria: ICSL Variant Classification Criteria 13 December 2019. Collection method: clinical testing. Allele origin: germline.
Comment: This variant was observed in the ICSL laboratory as part of a predisposition screen in an ostensibly healthy population. It had not been previously curated by ICSL or reported in the Human Gene Mutation Database (HGMD: prior to June 1st, 2018), and was therefore a candidate for classification through an automated scoring system. Utilizing variant allele frequency, disease prevalence and penetrance estimates, and inheritance mode, an automated score was calculated to assess if this variant is too frequent to cause the disease. Based on the score and internal cut-off values, a variant classified as likely benign is not then subjected to further curation. The score for this variant resulted in a classification of likely benign for this disease.